The following is an entry in ClinVar:

NM_001939.3(DRP2):c.1285A>C (p.Ile429Leu)

Gene: DRP2 (dystrophin related protein 2; plus strand). Cytogenetic location: Xq22.1.
Variant type: single nucleotide variant.
Coding change: c.1285A>C on transcript NM_001939.3 (MANE Select); coding-DNA position 1285, A replaced by C.
Protein change: p.Ile429Leu; replaces isoleucine 429 with leucine.
Molecular consequence: missense variant.
Genome position (GRCh38, 1-based): chrX:101,248,121, A>C. VCF-style: chrX-101248121-A-C. GRCh37 (hg19) VCF-style: chrX-100503110-A-C.
Other names: c.1051A>C, p.Ile351Leu (NM_001171184.2); short protein forms I351L, I429L.
Identifiers: ClinVar variation 2295728 (VCV002295728.5), dbSNP rs766442310, ClinGen allele CA10472242.

ClinVar aggregate classification (germline): Uncertain significance. Review status: criteria provided, multiple submitters, no conflicts (2 of 4 stars). 2 submissions from 2 submitters: Uncertain significance (2). Last evaluated 2023-08-11.

Allele frequency attached by ClinVar (database versions not stated): ExAC 0.00001; gnomAD 0.00001; gnomAD exomes 0.00001; TOPMed 0.00001.
gnomAD v4.1: 8 of 1,209,436 alleles (0.00066%); highest among the groups gnomAD compares: African/African-American, 0.0018%; no homozygotes.

Submissions (2):

Labcorp Genetics (formerly Invitae), Labcorp
Classification: Uncertain significance. Last evaluated: 2023-08-11. Review status: criteria provided, single submitter. Criteria: Invitae Variant Classification Sherloc (09022015). Collection method: clinical testing. Allele origin: germline.
Comment: This sequence change replaces isoleucine, which is neutral and non-polar, with leucine, which is neutral and non-polar, at codon 429 of the DRP2 protein (p.Ile429Leu). This variant is present in population databases (rs766442310, gnomAD 0.001%). This variant has not been reported in the literature in individuals affected with DRP2-related conditions. ClinVar contains an entry for this variant (Variation ID: 2295728). Advanced modeling of protein sequence and biophysical properties (such as structural, functional, and spatial information, amino acid conservation, physicochemical variation, residue mobility, and thermodynamic stability) performed at Invitae indicates that this missense variant is not expected to disrupt DRP2 protein function. In summary, the available evidence is currently insufficient to determine the role of this variant in disease. Therefore, it has been classified as a Variant of Uncertain Significance.

Ambry Genetics
Classification: Uncertain significance. Last evaluated: 2022-06-17. Review status: criteria provided, single submitter. Criteria: Ambry Variant Classification Scheme 2023. Collection method: clinical testing. Allele origin: germline.